The following is an entry in ClinVar:

ClinVar aggregate classification (germline): Uncertain significance. Review status: criteria provided, multiple submitters, no conflicts (2 of 4 stars). 2 submissions from 2 submitters: Uncertain significance (2). Last evaluated 2022-05-16.

Conditions:
Hereditary xanthinuria type 1 (XAN1). Identifiers: Orphanet 3467, Orphanet 93601, MedGen C0268118, MONDO:0010209, OMIM 278300.
Xanthinuria type II. Also called: Xanthine dehydrogenase and aldehyde oxidase combined deficiency of; XDH and AOX dual deficiency. Identifiers: Orphanet 3467, Orphanet 93602, MedGen C1863688, MONDO:0011346, OMIM 603592.

Allele frequency attached by ClinVar (database versions not stated): gnomAD exomes 0.00002 and 0.00003; ExAC 0.00006; ESP Exome Variant Server 0.00008; gnomAD 0.00010; TOPMed 0.00013; 1000 Genomes Project 30x 0.00016; 1000 Genomes Project 0.00020.
gnomAD v4.1: 49 of 1,614,048 alleles (0.003%); highest among the groups gnomAD compares: Admixed American, 0.03%; no homozygotes.

Submissions (2):

Labcorp Genetics (formerly Invitae), Labcorp
Classification: Uncertain significance for Xanthinuria type II. Last evaluated: 2022-05-16. Review status: criteria provided, single submitter. Criteria: Invitae Variant Classification Sherloc (09022015). Collection method: clinical testing. Allele origin: germline.
Comment: This sequence change replaces glycine, which is neutral and non-polar, with serine, which is neutral and polar, at codon 110 of the XDH protein (p.Gly110Ser). This variant is present in population databases (rs147286954, gnomAD 0.009%). This variant has not been reported in the literature in individuals affected with XDH-related conditions. Algorithms developed to predict the effect of missense changes on protein structure and function (SIFT, PolyPhen-2, Align-GVGD) all suggest that this variant is likely to be disruptive. In summary, the available evidence is currently insufficient to determine the role of this variant in disease. Therefore, it has been classified as a Variant of Uncertain Significance.

Fulgent Genetics
Classification: Uncertain significance for Hereditary xanthinuria type 1. Last evaluated: 2021-12-29. Review status: criteria provided, single submitter. Criteria: ACMG Guidelines, 2015. Collection method: clinical testing. Allele origin: unknown.

NM_000379.4(XDH):c.328G>A (p.Gly110Ser)

Gene: XDH (xanthine dehydrogenase; minus strand). Cytogenetic location: 2p23.1.
Variant type: single nucleotide variant.
Coding change: c.328G>A on transcript NM_000379.4 (MANE Select); coding-DNA position 328, G replaced by A.
Protein change: p.Gly110Ser; replaces glycine 110 with serine.
Molecular consequence: missense variant.
Genome position (GRCh38, 1-based): chr2:31,398,678, C>T on the plus strand (G>A on the coding strand, the complement: XDH is on the minus strand). VCF-style: chr2-31398678-C-T. GRCh37 (hg19) VCF-style: chr2-31621544-C-T.
Other names: short protein forms G110S.
Identifiers: ClinVar variation 1426272 (VCV001426272.9), dbSNP rs147286954, ClinGen allele CA1599678.